The following is an entry in ClinVar:

ClinVar aggregate classification (germline): Likely benign (0 of 4 stars; one submission).

Conditions:
GEMIN4-related disorder. Also called: GEMIN4-related condition.

Allele frequency attached by ClinVar (database versions not stated): gnomAD exomes below 0.00001.
gnomAD v4.1: 1 of 1,606,658 alleles (0.000062%); highest among the groups gnomAD compares: Non-Finnish European, 0.000085%; no homozygotes.

Submission:

PreventionGenetics, part of Exact Sciences
Classification: Likely benign for GEMIN4-related condition. Last evaluated: 2019-09-17. Review status: no assertion criteria provided. Collection method: clinical testing. Allele origin: germline.
Comment: This variant is classified as likely benign based on ACMG/AMP sequence variant interpretation guidelines (Richards et al. 2015 PMID: 25741868, with internal and published modifications).

NM_015721.3(GEMIN4):c.2319G>A (p.Arg773=)

Gene: GEMIN4 (gem nuclear organelle associated protein 4; minus strand). Cytogenetic location: 17p13.3.
Variant type: single nucleotide variant.
Coding change: c.2319G>A on transcript NM_015721.3 (MANE Select); coding-DNA position 2319, G replaced by A.
Protein change: p.Arg773=; no amino-acid change (arginine 773 retained).
Molecular consequence: synonymous variant.
Genome position (GRCh38, 1-based): chr17:745,724, C>T on the plus strand (G>A on the coding strand, the complement: GEMIN4 is on the minus strand). VCF-style: chr17-745724-C-T. GRCh37 (hg19) VCF-style: chr17-648964-C-T.
Identifiers: ClinVar variation 3040236 (VCV003040236.2), dbSNP rs2544536911, ClinGen allele CA497384231.